The following is an entry in ClinVar:

NM_006231.4(POLE):c.5299G>C (p.Glu1767Gln)

Gene: POLE (DNA polymerase epsilon, catalytic subunit; minus strand). Cytogenetic location: 12q24.33.
Variant type: single nucleotide variant.
Coding change: c.5299G>C on transcript NM_006231.4 (MANE Select); coding-DNA position 5299, G replaced by C.
Protein change: p.Glu1767Gln; replaces glutamic acid 1767 with glutamine.
Molecular consequence: missense variant.
Genome position (GRCh38, 1-based): chr12:132,641,726, C>G on the plus strand (G>C on the coding strand, the complement: POLE is on the minus strand). VCF-style: chr12-132641726-C-G. GRCh37 (hg19) VCF-style: chr12-133218312-C-G.
Other names: c.5299G>C (NM_006231.2); short protein forms E1767Q.
Identifiers: ClinVar variation 3692310 (VCV003692310.3).

ClinVar aggregate classification (germline): Uncertain significance. Review status: criteria provided, multiple submitters, no conflicts (2 of 4 stars). 2 submissions from 2 submitters: Uncertain significance (2). Last evaluated 2026-07-27.

Conditions:
Hereditary cancer-predisposing syndrome. Also called: Tumor predisposition; Hereditary neoplastic syndrome; Hereditary Cancer Syndrome; Neoplastic Syndromes, Hereditary. Identifiers: Orphanet 140162, MedGen C0027672, MeSH D009386, MONDO:0015356.

Submissions (2):

Ambry Genetics
Classification: Uncertain significance for Hereditary cancer-predisposing syndrome. Last evaluated: 2026-07-27. Review status: criteria provided, single submitter. Criteria: Ambry Variant Classification Scheme 2023. Collection method: clinical testing. Allele origin: germline.
Comment: The p.E1767Q variant (also known as c.5299G>C), located in coding exon 39 of the POLE gene, results from a G to C substitution at nucleotide position 5299. The glutamic acid at codon 1767 is replaced by glutamine, an amino acid with highly similar properties. This amino acid position is conserved. In addition, this alteration is predicted to be tolerated by in silico analysis. Based on the available evidence, the clinical significance of this variant remains unclear.

Labcorp Genetics (formerly Invitae), Labcorp
Classification: Uncertain significance. Last evaluated: 2024-07-16. Review status: criteria provided, single submitter. Criteria: Invitae Variant Classification Sherloc (09022015). Collection method: clinical testing. Allele origin: germline.
Comment: This sequence change replaces glutamic acid, which is acidic and polar, with glutamine, which is neutral and polar, at codon 1767 of the POLE protein (p.Glu1767Gln). This variant is not present in population databases (gnomAD no frequency). This variant has not been reported in the literature in individuals affected with POLE-related conditions. An algorithm developed to predict the effect of missense changes on protein structure and function (PolyPhen-2) suggests that this variant is likely to be tolerated. In summary, the available evidence is currently insufficient to determine the role of this variant in disease. Therefore, it has been classified as a Variant of Uncertain Significance.